The following is an entry in ClinVar:

ClinVar aggregate classification (germline): Likely benign. Review status: criteria provided, multiple submitters, no conflicts (2 of 4 stars). 4 submissions from 4 submitters: Likely benign (4). Last evaluated 2026-09-01.

Allele frequency attached by ClinVar (database versions not stated): gnomAD 0.00039 and 0.00041; gnomAD exomes 0.00039; TOPMed 0.00042; ESP Exome Variant Server 0.00046.
gnomAD v4.1: 1,051 of 1,613,924 alleles (0.065%); highest among the groups gnomAD compares: Non-Finnish European, 0.076%; no homozygotes.

Submissions (4):

CeGaT Center for Human Genetics Tuebingen
Classification: Likely benign. Last evaluated: 2026-09-01. Review status: criteria provided, single submitter. Criteria: CeGaT Center For Human Genetics Tuebingen Variant Classification Criteria Version 2. Collection method: clinical testing. Allele origin: germline. Affected: yes. Observed: 5 variant alleles.
Comment: HK1: BP4, BP7

Labcorp Genetics (formerly Invitae), Labcorp
Classification: Likely benign. Last evaluated: 2026-02-01. Review status: criteria provided, single submitter. Criteria: Invitae Variant Classification Sherloc (09022015). Collection method: clinical testing. Allele origin: germline.

ARUP Laboratories, Molecular Genetics and Genomics, ARUP Laboratories
Classification: Likely benign. Last evaluated: 2025-06-04. Review status: criteria provided, single submitter. Criteria: ARUP Molecular Germline Variant Investigation Process 2024. Collection method: clinical testing. Allele origin: germline.

Blueprint Genetics
Classification: Likely benign. Last evaluated: 2024-10-04. Review status: criteria provided, single submitter. Criteria: ACMG Guidelines, 2015. Collection method: clinical testing. Allele origin: germline.

NM_000188.3(HK1):c.2724C>T (p.Gly908=)

Gene: HK1 (hexokinase 1; plus strand). Cytogenetic location: 10q22.1.
Variant type: single nucleotide variant.
Coding change: c.2724C>T on transcript NM_000188.3 (MANE Select); coding-DNA position 2724, C replaced by T.
Protein change: p.Gly908=; no amino-acid change (glycine 908 retained).
Molecular consequence: synonymous variant.
Genome position (GRCh38, 1-based): chr10:69,401,105, C>T. VCF-style: chr10-69401105-C-T. GRCh37 (hg19) VCF-style: chr10-71160861-C-T.
Other names: c.2736C>T, p.Gly912= (NM_001322364.2, NM_001358263.1, NM_033497.3 and 1 more transcripts); c.2829C>T, p.Gly943= (NM_001322365.2); c.2640C>T, p.Gly880= (NM_001322366.1); c.2628C>T, p.Gly876= (NM_001322367.1); c.2721C>T, p.Gly907= (NM_033496.3); c.2688C>T, p.Gly896= (NM_033500.2).
Identifiers: ClinVar variation 1086410 (VCV001086410.43), dbSNP rs375284444, ClinGen allele CA5532922.